The following is an entry in ClinVar:

NM_007294.4(BRCA1):c.5278-2A>T

Gene: BRCA1 (BRCA1 DNA repair associated; minus strand). Cytogenetic location: 17q21.31.
Variant type: single nucleotide variant.
Coding change: c.5278-2A>T on transcript NM_007294.4 (MANE Select); the canonical splice acceptor site of the intron before coding-DNA position 5278, A replaced by T.
Molecular consequence: splice acceptor variant. On other transcripts: intron variant (2).
Genome position (GRCh38, 1-based): chr17:43,051,119, T>A on the plus strand (A>T on the coding strand, the complement: BRCA1 is on the minus strand). VCF-style: chr17-43051119-T-A. GRCh37 (hg19) VCF-style: chr17-41203136-T-A.
Other names: c.1966-2A>T (NM_001407986.1, NM_001407984.1, NM_001407983.1 and 12 more transcripts); c.2032-2A>T (NM_001407972.1); c.5272-2A>T (NM_001407630.1, NM_001407633.1, NM_001407628.1 and 14 more transcripts); c.5275-2A>T (NM_001407615.1, NM_001407860.1, NM_001407611.1 and 17 more transcripts); c.5338-2A>T (NM_001407591.1, NM_001407590.1); c.1843-2A>T (NM_001408441.1, NM_001408437.1, NM_001408443.1 and 10 more transcripts); c.1846-2A>T (NM_001408429.1, NM_001408431.1, NM_001408425.1 and 4 more transcripts); c.5149-2A>T (NM_001407683.1, NM_001407681.1, NM_001407689.1 and 6 more transcripts); and 74 more.
Identifiers: ClinVar variation 55503 (VCV000055503.14), dbSNP rs397509253, ClinGen allele CA003437.

ClinVar aggregate classification (germline): Pathogenic/Likely pathogenic. Review status: criteria provided, multiple submitters, no conflicts (2 of 4 stars). 3 submissions from 3 submitters: Pathogenic (1); Likely pathogenic (1). 1 of the submissions does not count toward it. Last evaluated 2025-05-06.

Conditions:
Familial cancer of breast. Also called: hereditary breast carcinoma; BREAST CANCER, FAMILIAL; Hereditary breast cancer. Identifiers: Orphanet 227535, MedGen C0346153, MONDO:0016419, OMIM 114480. Disease mechanism: loss of function.
Hereditary cancer-predisposing syndrome. Also called: Hereditary Cancer Syndrome; Hereditary neoplastic syndrome; Neoplastic Syndromes, Hereditary; Tumor predisposition. Identifiers: Orphanet 140162, MedGen C0027672, MeSH D009386, MONDO:0015356.

Submissions (4):

Ambry Genetics
Classification: Pathogenic for Hereditary cancer-predisposing syndrome. Last evaluated: 2025-05-06. Review status: criteria provided, single submitter. Criteria: Ambry Variant Classification Scheme 2023. Collection method: clinical testing. Allele origin: germline.
Comment: The c.5278-2A>T intronic pathogenic mutation results from an A to T substitution two nucleotides upstream from coding exon 19 in the BRCA1 gene. One functional study found that this nucleotide substitution is non-functional in a high throughput genome editing haploid cell survival assay (Findlay GM et al. Nature, 2018 Oct;562:217-222). This nucleotide position is highly conserved in available vertebrate species. In silico splice site analysis predicts that this alteration will weaken the native splice acceptor site and will result in the creation or strengthening of a novel splice acceptor site; however, direct evidence is insufficient at this time (Ambry internal data). This variant is considered to be rare based on population cohorts in the Genome Aggregation Database (gnomAD). Alterations that disrupt the canonical splice site are expected to cause aberrant splicing, resulting in an abnormal protein or a transcript that is subject to nonsense-mediated mRNA decay. As such, this alteration is classified as a disease-causing mutation.

Color Diagnostics, LLC DBA Color Health
Classification: Likely pathogenic for Hereditary cancer-predisposing syndrome. Last evaluated: 2020-04-30. Review status: criteria provided, single submitter. Criteria: ACMG Guidelines, 2015. Collection method: clinical testing. Allele origin: germline.
Comment: This variant causes an A to T nucleotide substitution at the -2 position of intron 19 of the BRCA1 gene. Splice site prediction tools suggest that this variant may have a significant impact on RNA splicing. Although this prediction has not been confirmed in published RNA studies, this variant is expected to result in an absent or disrupted protein product. This variant has been reported in individuals affected with breast cancer (PMID: 22217648, 25682074). This variant has not been identified in the general population by the Genome Aggregation Database (gnomAD). Loss of BRCA1 function is a known mechanism of disease. Based on the available evidence, this variant is classified as Likely Pathogenic.

Brotman Baty Institute, University of Washington
No classification provided (evidence only). Condition: Breast-ovarian cancer, familial 1. Review status: no classification provided. Collection method: in vitro. Allele origin: not applicable. Functional consequence: functionally_abnormal. Not counted in ClinVar's aggregate classification.
ClinVar note: "not provided" was previously submitted as the classification for the variant. However, the classification appeared to be based only on an observation of functional data so it was converted to no classification on 2025-07-30.

ClinVar Staff, National Center for Biotechnology Information (NCBI)
No classification provided. Condition: Familial cancer of breast. Review status: no classification provided. Collection method: literature only. Allele origin: germline. Affected: yes. Not counted in ClinVar's aggregate classification.

Literature cited by the submitters: PubMed 22217648 (cited by Ambry Genetics and ClinVar Staff, National Center for Biotechnology Information (NCBI)); PubMed 25682074 (cited by Ambry Genetics); PubMed 30209399 (cited by Ambry Genetics).